The following is an entry in ClinVar:

ClinVar aggregate classification (germline): Likely benign (1 of 4 stars; one submission).

Allele frequency attached by ClinVar (database versions not stated): gnomAD exomes below 0.00001; ExAC 0.00001.
gnomAD v4.1: 2 of 1,614,222 alleles (0.00012%); highest among the groups gnomAD compares: South Asian, 0.0022%; no homozygotes.

Submission:

CeGaT Center for Human Genetics Tuebingen
Classification: Likely benign. Last evaluated: 2022-04-01. Review status: criteria provided, single submitter. Criteria: CeGaT Center For Human Genetics Tuebingen Variant Classification Criteria Version 2. Collection method: clinical testing. Allele origin: germline. Affected: yes. Observed: 1 variant allele.
Comment: MED13L: BP4, BP7

NM_015335.5(MED13L):c.4722A>C (p.Ala1574=)

Gene: MED13L (mediator complex subunit 13L; minus strand). Cytogenetic location: 12q24.21.
Variant type: single nucleotide variant.
Coding change: c.4722A>C on transcript NM_015335.5 (MANE Select); coding-DNA position 4722, A replaced by C.
Protein change: p.Ala1574=; no amino-acid change (alanine 1574 retained).
Molecular consequence: synonymous variant.
Genome position (GRCh38, 1-based): chr12:115,983,350, T>G on the plus strand (A>C on the coding strand, the complement: MED13L is on the minus strand). VCF-style: chr12-115983350-T-G. GRCh37 (hg19) VCF-style: chr12-116421155-T-G.
Identifiers: ClinVar variation 2643362 (VCV002643362.24), dbSNP rs770636795, ClinGen allele CA6810739.